The following is an entry in ClinVar:

ClinVar aggregate classification (germline): Uncertain significance. Review status: criteria provided, multiple submitters, no conflicts (2 of 4 stars). 3 submissions from 3 submitters: Uncertain significance (3). Last evaluated 2025-10-20.

Conditions:
Cardiovascular phenotype. Identifiers: MedGen CN230736.
Myofibrillar myopathy 4. Also called: Zaspopathy (type). Identifiers: Orphanet 98912, MedGen C4721886, MONDO:0012277, OMIM 609452.

Allele frequency attached by ClinVar (database versions not stated): gnomAD exomes 0.00001; TOPMed 0.00001.

Submissions (3):

Labcorp Genetics (formerly Invitae), Labcorp
Classification: Uncertain significance for Myofibrillar myopathy 4. Last evaluated: 2025-10-20. Review status: criteria provided, single submitter. Criteria: Invitae Variant Classification Sherloc (09022015). Collection method: clinical testing. Allele origin: germline.
Comment: This sequence change replaces arginine, which is basic and polar, with lysine, which is basic and polar, at codon 250 of the LDB3 protein (p.Arg250Lys). This variant is present in population databases (no rsID available, gnomAD 0.004%). This missense change has been observed in individual(s) with clinical features of LDB3-related conditions (PMID: 28798025). This variant is also known as R365K. ClinVar contains an entry for this variant (Variation ID: 1217617). An algorithm developed to predict the effect of missense changes on protein structure and function (PolyPhen-2) suggests that this variant is likely to be tolerated. In summary, the available evidence is currently insufficient to determine the role of this variant in disease. Therefore, it has been classified as a Variant of Uncertain Significance.

Ambry Genetics
Classification: Uncertain significance for Cardiovascular phenotype. Last evaluated: 2024-04-17. Review status: criteria provided, single submitter. Criteria: Ambry Variant Classification Scheme 2023. Collection method: clinical testing. Allele origin: germline.
Comment: The p.R297K variant (also known as c.890G>A), located in coding exon 6 of the LDB3 gene, results from a G to A substitution at nucleotide position 890. The arginine at codon 297 is replaced by lysine, an amino acid with highly similar properties. This alteration has been reported in a left ventricular non-compaction (LVNC) cohort (Miszalski-Jamka K et al. Circ Cardiovasc Genet, 2017 Aug;10:[ePub ahead of print]). This amino acid position is well conserved in available vertebrate species. In addition, this alteration is predicted to be tolerated by in silico analysis. Based on the available evidence, the clinical significance of this variant remains unclear.

GeneDx
Classification: Uncertain significance. Last evaluated: 2021-03-19. Review status: criteria provided, single submitter. Criteria: GeneDx Variant Classification Process June 2021. Collection method: clinical testing. Allele origin: germline. Affected: yes.
Comment: Not observed at a significant frequency in large population cohorts (Lek et al., 2016); In silico analysis supports that this missense variant does not alter protein structure/function; This variant is associated with the following publications: (PMID: 28798025)

Literature cited by the submitters: PubMed 28798025 (cited by Labcorp Genetics (formerly Invitae), Labcorp and Ambry Genetics).

NM_007078.3(LDB3):c.890G>A (p.Arg297Lys)

Gene: LDB3 (LIM domain binding 3; plus strand). Cytogenetic location: 10q23.2.
Variant type: single nucleotide variant.
Coding change: c.890G>A on transcript NM_007078.3 (MANE Select); coding-DNA position 890, G replaced by A.
Protein change: p.Arg297Lys; replaces arginine 297 with lysine.
Molecular consequence: missense variant.
Genome position (GRCh38, 1-based): chr10:86,692,565, G>A. VCF-style: chr10-86692565-G-A. GRCh37 (hg19) VCF-style: chr10-88452322-G-A.
Other names: c.749G>A, p.Arg250Lys (NM_001080114.2, NM_001080116.1, NM_001368066.1 and 2 more transcripts); c.890G>A, p.Arg297Lys (NM_001080115.2, NM_001368063.1, NM_001368064.1 and 1 more transcripts); c.1094G>A, p.Arg365Lys (NM_001171610.2, NM_001171611.2); c.890G>A (NM_007078.2); short protein forms R250K, R297K, R365K.
Identifiers: ClinVar variation 1217617 (VCV001217617.7), dbSNP rs1266510625, ClinGen allele CA377443648.